The following is an entry in ClinVar:

ClinVar aggregate classification (germline): Likely benign (1 of 4 stars; one submission).

Conditions:
Malignant hyperthermia, susceptibility to, 5 (MHS5). Also called: CACNA1S-Related Malignant Hyperthermia Susceptibility. Identifiers: Orphanet 423, MedGen C1866077, MONDO:0011163, OMIM 601887.

Allele frequency attached by ClinVar (database versions not stated): gnomAD exomes below 0.00001.
gnomAD v4.1: 1 of 1,614,174 alleles (0.000062%); highest among the groups gnomAD compares: Non-Finnish European, 0.000085%; no homozygotes.

Submission:

All of Us Research Program, National Institutes of Health
Classification: Likely benign for Malignant hyperthermia, susceptibility to, 5. Last evaluated: 2023-05-04. Review status: criteria provided, single submitter. Criteria: ACMG Guidelines, 2015. Collection method: clinical testing. Allele origin: germline. Inheritance: Autosomal dominant inheritance. Observed: 1 variant allele, 1 heterozygote.
Comment: This study involves interpretation of variants in research participants for the purpose of population health screening. Participant phenotype was not available at the time of variant classification. Additional details can be found in publication PMID: 35346344, PMCID: PMC8962531

NM_000069.3(CACNA1S):c.3739C>T (p.Leu1247=)

Gene: CACNA1S (calcium voltage-gated channel subunit alpha1 S; minus strand). Cytogenetic location: 1q32.1.
Variant type: single nucleotide variant.
Coding change: c.3739C>T on transcript NM_000069.3 (MANE Select); coding-DNA position 3739, C replaced by T.
Protein change: p.Leu1247=; no amino-acid change (leucine 1247 retained).
Molecular consequence: synonymous variant.
Genome position (GRCh38, 1-based): chr1:201,053,515, G>A on the plus strand (C>T on the coding strand, the complement: CACNA1S is on the minus strand). VCF-style: chr1-201053515-G-A. GRCh37 (hg19) VCF-style: chr1-201022643-G-A.
Identifiers: ClinVar variation 3070748 (VCV003070748.1), dbSNP rs2464460712, ClinGen allele CA422719589.
Genomic context (GRCh38, chr1:201,053,515, plus strand): 5'-GCACCTGGAAGGACTTGATGAACGTCCACAGGAGGGTTCGCACTCCTTCTGCCCGGCTCA[G>A]CAGCTTGATCAGCCTCATGACACGGAACAGGCGGAAGAAGGCGCTGGAGATGCGGGCACT-3'
Protein context (NP_000060.2, residues 1237-1257): LFRVMRLIKL[Leu1247=]SRAEGVRTLL